The following is an entry in ClinVar:

ClinVar aggregate classification (germline): Uncertain significance (1 of 4 stars; one submission).

Submission:

Labcorp Genetics (formerly Invitae), Labcorp
Classification: Uncertain significance. Last evaluated: 2024-09-05. Review status: criteria provided, single submitter. Criteria: Invitae Variant Classification Sherloc (09022015). Collection method: clinical testing. Allele origin: germline.
Comment: This sequence change replaces serine, which is neutral and polar, with asparagine, which is neutral and polar, at codon 2203 of the TRRAP protein (p.Ser2203Asn). This variant is not present in population databases (gnomAD no frequency). This variant has not been reported in the literature in individuals affected with TRRAP-related conditions. Invitae Evidence Modeling of protein sequence and biophysical properties (such as structural, functional, and spatial information, amino acid conservation, physicochemical variation, residue mobility, and thermodynamic stability) indicates that this missense variant is not expected to disrupt TRRAP protein function with a negative predictive value of 80%. In summary, the available evidence is currently insufficient to determine the role of this variant in disease. Therefore, it has been classified as a Variant of Uncertain Significance.

NM_001375524.1(TRRAP):c.6683G>A (p.Ser2228Asn)

Gene: TRRAP (transformation/transcription domain associated protein; plus strand). Cytogenetic location: 7q22.1.
Variant type: single nucleotide variant.
Coding change: c.6683G>A on transcript NM_001375524.1 (MANE Select); coding-DNA position 6683, G replaced by A.
Protein change: p.Ser2228Asn; replaces serine 2228 with asparagine.
Molecular consequence: missense variant.
Genome position (GRCh38, 1-based): chr7:98,961,454, G>A. VCF-style: chr7-98961454-G-A. GRCh37 (hg19) VCF-style: chr7-98559077-G-A.
Other names: c.6662G>A, p.Ser2221Asn (NM_001244580.2); c.6608G>A, p.Ser2203Asn (NM_003496.4); short protein forms S2221N, S2228N, S2203N.
Identifiers: ClinVar variation 2985206 (VCV002985206.3), dbSNP rs2484896352, ClinGen allele CA368285642.